The following is an entry in ClinVar:

NM_000455.5(STK11):c.928C>T (p.Arg310Trp)

Gene: STK11 (serine/threonine kinase 11; plus strand). Cytogenetic location: 19p13.3.
Variant type: single nucleotide variant.
Coding change: c.928C>T on transcript NM_000455.5 (MANE Select); coding-DNA position 928, C replaced by T.
Protein change: p.Arg310Trp; replaces arginine 310 with tryptophan.
Molecular consequence: missense variant.
Genome position (GRCh38, 1-based): chr19:1,222,992, C>T. VCF-style: chr19-1222992-C-T. GRCh37 (hg19) VCF-style: chr19-1222991-C-T.
Other names: short protein forms R310W.
Identifiers: ClinVar variation 627789 (VCV000627789.12), dbSNP rs750366043, ClinGen allele CA049732.

ClinVar aggregate classification (germline): Uncertain significance. Review status: criteria provided, multiple submitters, no conflicts (2 of 4 stars). 4 submissions from 4 submitters: Uncertain significance (4). Last evaluated 2025-10-10.

Conditions:
Peutz-Jeghers syndrome (PJS). Also called: POLYPOSIS, HAMARTOMATOUS INTESTINAL; POLYPS-AND-SPOTS SYNDROME; Peutz-Jeghers polyposis; Periorificial lentiginosis syndrome. Identifiers: Orphanet 2869, MedGen C0031269, MeSH D010580, MONDO:0008280, OMIM 175200.
Hereditary cancer-predisposing syndrome. Also called: Tumor predisposition; Neoplastic Syndromes, Hereditary; Hereditary Cancer Syndrome; Hereditary neoplastic syndrome. Identifiers: Orphanet 140162, MedGen C0027672, MeSH D009386, MONDO:0015356.

Allele frequency attached by ClinVar (database versions not stated): gnomAD exomes below 0.00001; ExAC 0.00006.
gnomAD v4.1: 2 of 1,554,450 alleles (0.00013%); highest among the groups gnomAD compares: Non-Finnish European, 0.00017%; no homozygotes.

Submissions (4):

Quest Diagnostics Nichols Institute San Juan Capistrano
Classification: Uncertain significance. Last evaluated: 2025-10-10. Review status: criteria provided, single submitter. Criteria: Quest Diagnostics criteria. Collection method: clinical testing. Allele origin: unknown.
Comment: The STK11 c.928C>T (p.Arg310Trp) variant has been reported in the published literature in individuals with breast cancer (PMID: 30287823 (2018)), biliary tract cancer (PMID: 36243179 (2022), 29360550 (2018)), and lung cancer (PMID: 30082870 (2018)). This variant has also been reported as a somatic variant in an individual with gastric cancer (PMID: 31949278 (2020)). The frequency of this variant in the general population (Genome Aggregation Database) is uninformative in the assessment of its pathogenicity. Analysis of this variant using bioinformatics tools for the prediction of the effect of amino acid changes on protein structure and function yielded predictions that this variant is damaging. Based on the available information, we are unable to determine the clinical significance of this variant.

Labcorp Genetics (formerly Invitae), Labcorp
Classification: Uncertain significance for Peutz-Jeghers syndrome. Last evaluated: 2024-07-29. Review status: criteria provided, single submitter. Criteria: Invitae Variant Classification Sherloc (09022015). Collection method: clinical testing. Allele origin: germline.
Comment: This sequence change replaces arginine, which is basic and polar, with tryptophan, which is neutral and slightly polar, at codon 310 of the STK11 protein (p.Arg310Trp). The frequency data for this variant in the population databases is considered unreliable, as metrics indicate poor data quality at this position in the gnomAD database. This missense change has been observed in individual(s) with breast cancer (PMID: 30287823). ClinVar contains an entry for this variant (Variation ID: 627789). Advanced modeling of protein sequence and biophysical properties (such as structural, functional, and spatial information, amino acid conservation, physicochemical variation, residue mobility, and thermodynamic stability) has been performed at Invitae for this missense variant, however the output from this modeling did not meet the statistical confidence thresholds required to predict the impact of this variant on STK11 protein function. In summary, the available evidence is currently insufficient to determine the role of this variant in disease. Therefore, it has been classified as a Variant of Uncertain Significance.

Color Diagnostics, LLC DBA Color Health
Classification: Uncertain significance for Hereditary cancer-predisposing syndrome. Last evaluated: 2024-01-22. Review status: criteria provided, single submitter. Criteria: ACMG Guidelines, 2015. Collection method: clinical testing. Allele origin: germline.
Comment: This missense variant replaces arginine with tryptophan at codon 310 of the STK11 protein. Computational prediction is inconclusive regarding the impact of this variant on protein structure and function. To our knowledge, functional studies have not been reported for this variant. This variant has not been reported in individuals affected with STK11-related disorders in the literature. This variant has not been identified in the general population by the Genome Aggregation Database (gnomAD). The available evidence is insufficient to determine the role of this variant in disease conclusively. Therefore, this variant is classified as a Variant of Uncertain Significance.

Ambry Genetics
Classification: Uncertain significance for Hereditary cancer-predisposing syndrome. Last evaluated: 2019-09-16. Review status: criteria provided, single submitter. Criteria: Ambry Variant Classification Scheme 2023. Collection method: clinical testing. Allele origin: germline.
Comment: The p.R310W variant (also known as c.928C>T), located in coding exon 8 of the STK11 gene, results from a C to T substitution at nucleotide position 928. The arginine at codon 310 is replaced by tryptophan, an amino acid with dissimilar properties. This alteration has been reported with a carrier frequency of 0.00014 in 7051 unselected breast cancer patients and was not reported in 11241 female controls of Japanese ancestry (Momozawa Y et al. Nat Commun, 2018 10;9:4083). This amino acid position is highly conserved in available vertebrate species. In addition, the in silico prediction for this alteration is inconclusive. Since supporting evidence is limited at this time, the clinical significance of this alteration remains unclear.

Literature cited by the submitters: PubMed 30287823 (cited by 3 submitters); PubMed 36243179 (cited by Quest Diagnostics Nichols Institute San Juan Capistrano); PubMed 31949278 (cited by Quest Diagnostics Nichols Institute San Juan Capistrano); PubMed 29360550 (cited by Quest Diagnostics Nichols Institute San Juan Capistrano); PubMed 30082870 (cited by Quest Diagnostics Nichols Institute San Juan Capistrano).